The following is an entry in ClinVar:

NM_000051.4(ATM):c.8403C>A (p.Cys2801Ter)

Genes: ATM (ATM serine/threonine kinase; plus strand), C11orf65 (chromosome 11 open reading frame 65; minus strand). Cytogenetic location: 11q22.3.
Variant type: single nucleotide variant.
Coding change: c.8403C>A on transcript NM_000051.4 (MANE Select); coding-DNA position 8403, C replaced by A.
Protein change: p.Cys2801Ter; replaces cysteine 2801 with a stop codon.
Molecular consequence: nonsense. On other transcripts: intron variant (2).
Genome position (GRCh38, 1-based): chr11:108,343,356, C>A. VCF-style: chr11-108343356-C-A. GRCh37 (hg19) VCF-style: chr11-108214083-C-A.
Other names: c.8403C>A, p.Cys2801Ter (NM_001351834.2); c.641-34285G>T (NM_001330368.2); c.695-8064G>T (NM_001351110.2); short protein forms C2801*.
Identifiers: ClinVar variation 524349 (VCV000524349.9), dbSNP rs1555135852, ClinGen allele CA382516731.

ClinVar aggregate classification (germline): Pathogenic. Review status: criteria provided, multiple submitters, no conflicts (2 of 4 stars). 3 submissions from 3 submitters: Pathogenic (3). Last evaluated 2024-02-02.

Conditions:
Hereditary cancer-predisposing syndrome. Also called: Hereditary Cancer Syndrome; Neoplastic Syndromes, Hereditary; Tumor predisposition; Hereditary neoplastic syndrome. Identifiers: Orphanet 140162, MedGen C0027672, MeSH D009386, MONDO:0015356.
Familial cancer of breast. Also called: BREAST CANCER, FAMILIAL; Hereditary breast cancer; hereditary breast carcinoma. Identifiers: Orphanet 227535, MedGen C0346153, MONDO:0016419, OMIM 114480. Disease mechanism: loss of function.
Ataxia-telangiectasia syndrome (AT). Also called: Cerebello-oculocutaneous telangiectasia; Immunodeficiency with ataxia telangiectasia; Ataxia-telangiectasia, complementation group E; Ataxia-telangiectasia, complementation group D; AT, COMPLEMENTATION GROUP C; ATAXIA-TELANGIECTASIA, COMPLEMENTATION GROUP A. Identifiers: Orphanet 100, MedGen C0004135, MONDO:0008840, OMIM 208900.

Submissions (3):

Myriad Genetics, Inc.
Classification: Pathogenic for Familial cancer of breast. Last evaluated: 2024-02-02. Review status: criteria provided, single submitter. Criteria: Myriad Autosomal Dominant, Autosomal Recessive and X-Linked Classification Criteria (2023). Collection method: clinical testing. Allele origin: unknown.
Comment: This variant is considered pathogenic. This variant creates a termination codon and is predicted to result in premature protein truncation.

Ambry Genetics
Classification: Pathogenic for Hereditary cancer-predisposing syndrome. Last evaluated: 2022-12-18. Review status: criteria provided, single submitter. Criteria: Ambry Variant Classification Scheme 2023. Collection method: clinical testing. Allele origin: germline.
Comment: The p.C2801* pathogenic mutation (also known as c.8403C>A), located in coding exon 56 of the ATM gene, results from a C to A substitution at nucleotide position 8403. This changes the amino acid from a cysteine to a stop codon within coding exon 56. This alteration is expected to result in loss of function by premature protein truncation or nonsense-mediated mRNA decay. As such, this alteration is interpreted as a disease-causing mutation.

Labcorp Genetics (formerly Invitae), Labcorp
Classification: Pathogenic for Ataxia-telangiectasia syndrome. Last evaluated: 2022-02-11. Review status: criteria provided, single submitter. Criteria: Invitae Variant Classification Sherloc (09022015). Collection method: clinical testing. Allele origin: germline.
Comment: This sequence change creates a premature translational stop signal (p.Cys2801*) in the ATM gene. It is expected to result in an absent or disrupted protein product. Loss-of-function variants in ATM are known to be pathogenic (PMID: 23807571, 25614872). This variant is not present in population databases (gnomAD no frequency). This variant has not been reported in the literature in individuals affected with ATM-related conditions. ClinVar contains an entry for this variant (Variation ID: 524349). For these reasons, this variant has been classified as Pathogenic.

Literature cited by the submitters: PubMed 23807571 (cited by Labcorp Genetics (formerly Invitae), Labcorp); PubMed 25614872 (cited by Labcorp Genetics (formerly Invitae), Labcorp).